The following is an entry in ClinVar:

ClinVar aggregate classification (germline): Uncertain significance. Review status: criteria provided, multiple submitters, no conflicts (2 of 4 stars). 2 submissions from 2 submitters: Uncertain significance (2). Last evaluated 2023-12-01.

Conditions:
RYR1-related disorder. Also called: RYR1-related disorders; RYR1-related condition. Identifiers: MedGen CN239331.

Allele frequency attached by ClinVar (database versions not stated): gnomAD 0.00001; gnomAD exomes 0.00001.
gnomAD v4.1: 7 of 1,614,076 alleles (0.00043%); highest among the groups gnomAD compares: Non-Finnish European, 0.00059%; no homozygotes.

Submissions (2):

Labcorp Genetics (formerly Invitae), Labcorp
Classification: Uncertain significance for RYR1-related disorder. Last evaluated: 2023-12-01. Review status: criteria provided, single submitter. Criteria: Invitae Variant Classification Sherloc (09022015). Collection method: clinical testing. Allele origin: germline.
Comment: This sequence change replaces methionine, which is neutral and non-polar, with valine, which is neutral and non-polar, at codon 3038 of the RYR1 protein (p.Met3038Val). This variant is present in population databases (no rsID available, gnomAD 0.007%). This variant has not been reported in the literature in individuals affected with RYR1-related conditions. ClinVar contains an entry for this variant (Variation ID: 590626). Advanced modeling of protein sequence and biophysical properties (such as structural, functional, and spatial information, amino acid conservation, physicochemical variation, residue mobility, and thermodynamic stability) has been performed at Invitae for this missense variant, however the output from this modeling did not meet the statistical confidence thresholds required to predict the impact of this variant on RYR1 protein function. In summary, the available evidence is currently insufficient to determine the role of this variant in disease. Therefore, it has been classified as a Variant of Uncertain Significance.

PreventionGenetics, part of Exact Sciences
Classification: Uncertain significance. Last evaluated: 2016-11-20. Review status: criteria provided, single submitter. Criteria: ACMG Guidelines, 2015. Collection method: clinical testing. Allele origin: germline.

NM_000540.3(RYR1):c.9112A>G (p.Met3038Val)

Gene: RYR1 (ryanodine receptor 1; plus strand). Cytogenetic location: 19q13.2.
Variant type: single nucleotide variant.
Coding change: c.9112A>G on transcript NM_000540.3 (MANE Select); coding-DNA position 9112, A replaced by G.
Protein change: p.Met3038Val; replaces methionine 3038 with valine.
Molecular consequence: missense variant.
Genome position (GRCh38, 1-based): chr19:38,510,771, A>G. VCF-style: chr19-38510771-A-G. GRCh37 (hg19) VCF-style: chr19-39001411-A-G.
Other names: c.9112A>G, p.Met3038Val (NM_001042723.2); short protein forms M3038V.
Identifiers: ClinVar variation 590626 (VCV000590626.5), dbSNP rs1302799425, ClinGen allele CA405684065.